The following is an entry in ClinVar:

NM_002156.5(HSPD1):c.1169T>C (p.Leu390Pro)

Gene: HSPD1 (heat shock protein family D (Hsp60) member 1; minus strand). Cytogenetic location: 2q33.1.
Variant type: single nucleotide variant.
Coding change: c.1169T>C on transcript NM_002156.5 (MANE Select); coding-DNA position 1169, T replaced by C.
Protein change: p.Leu390Pro; replaces leucine 390 with proline.
Molecular consequence: missense variant.
Genome position (GRCh38, 1-based): chr2:197,489,048, A>G on the plus strand (T>C on the coding strand, the complement: HSPD1 is on the minus strand). VCF-style: chr2-197489048-A-G. GRCh37 (hg19) VCF-style: chr2-198353772-A-G.
Other names: c.1169T>C, p.Leu390Pro (NM_199440.2); short protein forms L390P.
Identifiers: ClinVar variation 4279831 (VCV004279831.1).

ClinVar aggregate classification (germline): Uncertain significance (1 of 4 stars; one submission).

Conditions:
Leukodystrophy, hypomyelinating, 4. Also called: MITCHAP60 DISEASE; MITOCHONDRIAL HSP60 CHAPERONOPATHY. Identifiers: Orphanet 280270, Orphanet 280288, MedGen C2677109, MONDO:0012824, OMIM 612233.
Hereditary spastic paraplegia 13 (SPG13). Also called: SPASTIC PARAPLEGIA 13, AUTOSOMAL DOMINANT; Spastic paraplegia 13. Identifiers: Orphanet 100994, MedGen C1854467, MONDO:0011532, OMIM 605280.

Submission:

Clinical Genomics Laboratory, Washington University in St. Louis
Classification: Uncertain significance for Hereditary spastic paraplegia 13; Leukodystrophy, hypomyelinating, 4. Last evaluated: 2025-06-24. Review status: criteria provided, single submitter. Criteria: ACMG Guidelines, 2015. Collection method: clinical testing. Allele origin: germline.
Comment: The HSPD1 c.1169T>C (p.Leu390Pro) variant, to our knowledge, has not been reported in the medical literature. This variant is absent from the general population (gnomAD v.2.1.1), indicating it is not a common variant. Computational predictors indicate that the variant is damaging, evidence that correlates with impact on HSPD1 function. Due to limited information, and based on ACMG/AMP guidelines for variant interpretation (Richards S et al., PMID: 25741868), the clinical significance of this variant is uncertain at this time.